The following is an entry in ClinVar:

ClinVar aggregate classification (germline): Uncertain significance (1 of 4 stars; one submission).

Conditions:
Inborn genetic diseases. Identifiers: MedGen C0950123, MeSH D030342.

Submission:

Ambry Genetics
Classification: Uncertain significance for Inborn genetic diseases. Last evaluated: 2024-05-04. Review status: criteria provided, single submitter. Criteria: Ambry Variant Classification Scheme 2023. Collection method: clinical testing. Allele origin: germline.
Comment: The p.Y26C variant (also known as c.77A>G), located in coding exon 2 of the ATR gene, results from an A to G substitution at nucleotide position 77. The tyrosine at codon 26 is replaced by cysteine, an amino acid with highly dissimilar properties. This amino acid position is conserved. In addition, the in silico prediction for this alteration is inconclusive. Based on the available evidence, the clinical significance of this variant remains unclear.

NM_001184.4(ATR):c.77A>G (p.Tyr26Cys)

Gene: ATR (ATR serine/threonine kinase; minus strand). Cytogenetic location: 3q23.
Variant type: single nucleotide variant.
Coding change: c.77A>G on transcript NM_001184.4 (MANE Select); coding-DNA position 77, A replaced by G.
Protein change: p.Tyr26Cys; replaces tyrosine 26 with cysteine.
Molecular consequence: missense variant.
Genome position (GRCh38, 1-based): chr3:142,568,137, T>C on the plus strand (A>G on the coding strand, the complement: ATR is on the minus strand). VCF-style: chr3-142568137-T-C. GRCh37 (hg19) VCF-style: chr3-142286979-T-C.
Other names: c.77A>G, p.Tyr26Cys (NM_001354579.2); short protein forms Y26C.
Identifiers: ClinVar variation 3331816 (VCV003331816.1).